The following is an entry in ClinVar:

ClinVar aggregate classification (germline): Uncertain significance. Review status: criteria provided, multiple submitters, no conflicts (2 of 4 stars). 2 submissions from 2 submitters: Uncertain significance (2). Last evaluated 2023-03-07.

Conditions:
Hereditary spastic paraplegia 11. Also called: SPASTIC PARAPLEGIA, AUTOSOMAL RECESSIVE, COMPLICATED, WITH THIN CORPUS CALLOSUM; SPASTIC PARAPLEGIA, AUTOSOMAL RECESSIVE, WITH MENTAL IMPAIRMENT AND THIN CORPUS CALLOSUM; Nakamura Osame syndrome; Autosomal recessive hereditary spastic paraplegia, mental impairment, and thin corpus callosum; Spastic Paraplegia 11; Spastic paraplegia, mental retardation and thin corpus callosum. Identifiers: Orphanet 2822, MedGen C1858479, MONDO:0011445, OMIM 604360.
Inborn genetic diseases. Identifiers: MedGen C0950123, MeSH D030342.

Allele frequency attached by ClinVar (database versions not stated): ExAC 0.00001; TOPMed 0.00001; gnomAD 0.00002.
gnomAD v4.1: 16 of 1,613,942 alleles (0.00099%); highest among the groups gnomAD compares: Non-Finnish European, 0.0013%; no homozygotes.

Submissions (2):

Ambry Genetics
Classification: Uncertain significance for Inborn genetic diseases. Last evaluated: 2023-03-07. Review status: criteria provided, single submitter. Criteria: Ambry Variant Classification Scheme 2023. Collection method: clinical testing. Allele origin: germline.

Labcorp Genetics (formerly Invitae), Labcorp
Classification: Uncertain significance for Hereditary spastic paraplegia 11. Last evaluated: 2022-06-06. Review status: criteria provided, single submitter. Criteria: Invitae Variant Classification Sherloc (09022015). Collection method: clinical testing. Allele origin: germline.
Comment: This sequence change replaces threonine, which is neutral and polar, with isoleucine, which is neutral and non-polar, at codon 2299 of the SPG11 protein (p.Thr2299Ile). This variant is present in population databases (rs780006264, gnomAD 0.0009%). This variant has not been reported in the literature in individuals affected with SPG11-related conditions. Algorithms developed to predict the effect of missense changes on protein structure and function are either unavailable or do not agree on the potential impact of this missense change (SIFT: "Deleterious"; PolyPhen-2: "Probably Damaging"; Align-GVGD: "Class C15"). In summary, the available evidence is currently insufficient to determine the role of this variant in disease. Therefore, it has been classified as a Variant of Uncertain Significance.

NM_025137.4(SPG11):c.6896C>T (p.Thr2299Ile)

Gene: SPG11 (SPG11 vesicle trafficking associated, spatacsin; minus strand). Cytogenetic location: 15q21.1.
Variant type: single nucleotide variant.
Coding change: c.6896C>T on transcript NM_025137.4 (MANE Select); coding-DNA position 6896, C replaced by T.
Protein change: p.Thr2299Ile; replaces threonine 2299 with isoleucine.
Molecular consequence: missense variant.
Genome position (GRCh38, 1-based): chr15:44,565,957, G>A on the plus strand (C>T on the coding strand, the complement: SPG11 is on the minus strand). VCF-style: chr15-44565957-G-A. GRCh37 (hg19) VCF-style: chr15-44858155-G-A.
Other names: c.6896C>T (NM_025137.3); c.6557C>T, p.Thr2186Ile (NM_001160227.2); c.6752C>T, p.Thr2251Ile (NM_001411132.1); short protein forms T2251I, T2299I, T2186I.
Identifiers: ClinVar variation 2036800 (VCV002036800.3), dbSNP rs780006264, ClinGen allele CA7533958.